The following is an entry in ClinVar:

NM_000245.4(MET):c.3714C>G (p.His1238Gln)

Gene: MET (MET proto-oncogene, receptor tyrosine kinase; plus strand). Cytogenetic location: 7q31.2.
Variant type: single nucleotide variant.
Coding change: c.3714C>G on transcript NM_000245.4 (MANE Select); coding-DNA position 3714, C replaced by G.
Protein change: p.His1238Gln; replaces histidine 1238 with glutamine.
Molecular consequence: missense variant.
Genome position (GRCh38, 1-based): chr7:116,783,385, C>G. VCF-style: chr7-116783385-C-G. GRCh37 (hg19) VCF-style: chr7-116423439-C-G.
Other names: c.3768C>G, p.His1256Gln (NM_001127500.3); c.2424C>G, p.His808Gln (NM_001324402.2); short protein forms H808Q, H1238Q, H1256Q.
Identifiers: ClinVar variation 1955053 (VCV001955053.5), dbSNP rs2117066490, ClinGen allele CA368991708.

ClinVar aggregate classification (germline): Uncertain significance (1 of 4 stars; one submission).

Conditions:
Renal cell carcinoma. Identifiers: Orphanet 217071, MedGen C0007134, MeSH D002292, MONDO:0005086, HP:0005584.

Submission:

Labcorp Genetics (formerly Invitae), Labcorp
Classification: Uncertain significance for Renal cell carcinoma. Last evaluated: 2022-11-08. Review status: criteria provided, single submitter. Criteria: Invitae Variant Classification Sherloc (09022015). Collection method: clinical testing. Allele origin: germline.
Comment: In summary, the available evidence is currently insufficient to determine the role of this variant in disease. Therefore, it has been classified as a Variant of Uncertain Significance. Advanced modeling of protein sequence and biophysical properties (such as structural, functional, and spatial information, amino acid conservation, physicochemical variation, residue mobility, and thermodynamic stability) performed at Invitae indicates that this missense variant is not expected to disrupt MET protein function. This variant has not been reported in the literature in individuals affected with MET-related conditions. This variant is not present in population databases (gnomAD no frequency). This sequence change replaces histidine, which is basic and polar, with glutamine, which is neutral and polar, at codon 1256 of the MET protein (p.His1256Gln).